The following is an entry in ClinVar:

NM_000143.4(FH):c.251T>C (p.Val84Ala)

Gene: FH (fumarate hydratase; minus strand). Cytogenetic location: 1q43.
Variant type: single nucleotide variant.
Coding change: c.251T>C on transcript NM_000143.4 (MANE Select); coding-DNA position 251, T replaced by C.
Protein change: p.Val84Ala; replaces valine 84 with alanine.
Molecular consequence: missense variant.
Genome position (GRCh38, 1-based): chr1:241,517,198, A>G on the plus strand (T>C on the coding strand, the complement: FH is on the minus strand). VCF-style: chr1-241517198-A-G. GRCh37 (hg19) VCF-style: chr1-241680498-A-G.
Other names: short protein forms V84A.
Identifiers: ClinVar variation 237114 (VCV000237114.12), dbSNP rs878853692, ClinGen allele CA10581787.
Genomic context (GRCh38, chr1:241,517,198, plus strand): 5'-CTACTTCATCCAAAATAGCCAACATTTCCACAAATGCCACTTACTGGCATGCGTTCTGTC[A>G]CACCTCCAATCTTAAAGTTCATCGTAGATCTCACGGTCTGGGCGCCATAATACTTATCAT-3'
Protein context (NP_000134.2, residues 74-94): RSTMNFKIGG[Val84Ala]TERMPTPVIK

ClinVar aggregate classification (germline): Uncertain significance. Review status: criteria provided, multiple submitters, no conflicts (2 of 4 stars). 4 submissions from 4 submitters: Uncertain significance (4). Last evaluated 2025-02-02.

Conditions:
Hereditary leiomyomatosis and renal cell cancer. Also called: LEIOMYOMA, MULTIPLE CUTANEOUS; Reed syndrome; Multiple cutaneous and uterine leiomyomatosis; Cutaneous leiomyomata with uterine leiomyomata; Leiomyoma, hereditary multiple, of skin; Multiple cutaneous and uterine leiomyomata. Identifiers: Orphanet 523, MedGen C1708350, MONDO:0007888, OMIM 150800, HP:0007437. Disease mechanism: loss of function.
Fumarase deficiency (FMRD). Also called: Fumaric aciduria; Fumarate Hydratase Deficiency. Identifiers: Orphanet 24, MedGen C0342770, MONDO:0011730, OMIM 606812.
Hereditary cancer-predisposing syndrome. Also called: Neoplastic Syndromes, Hereditary; Hereditary neoplastic syndrome; Hereditary Cancer Syndrome; Tumor predisposition. Identifiers: Orphanet 140162, MedGen C0027672, MeSH D009386, MONDO:0015356.

Allele frequency attached by ClinVar (database versions not stated): gnomAD exomes below 0.00001.

Submissions (4):

Ambry Genetics
Classification: Uncertain significance for Hereditary cancer-predisposing syndrome. Last evaluated: 2025-02-02. Review status: criteria provided, single submitter. Criteria: Ambry Variant Classification Scheme 2023. Collection method: clinical testing. Allele origin: germline.
Comment: The p.V84A variant (also known as c.251T>C), located in coding exon 2 of the FH gene, results from a T to C substitution at nucleotide position 251. The valine at codon 84 is replaced by alanine, an amino acid with similar properties. This amino acid position is conserved. In addition, this alteration is predicted to be tolerated by in silico analysis. Based on the available evidence, the clinical significance of this variant remains unclear.

Labcorp Genetics (formerly Invitae), Labcorp
Classification: Uncertain significance. Last evaluated: 2025-01-15. Review status: criteria provided, single submitter. Criteria: Invitae Variant Classification Sherloc (09022015). Collection method: clinical testing. Allele origin: germline.
Comment: This sequence change replaces valine, which is neutral and non-polar, with alanine, which is neutral and non-polar, at codon 84 of the FH protein (p.Val84Ala). This variant is not present in population databases (gnomAD no frequency). This variant has not been reported in the literature in individuals affected with FH-related conditions. ClinVar contains an entry for this variant (Variation ID: 237114). Invitae Evidence Modeling of protein sequence and biophysical properties (such as structural, functional, and spatial information, amino acid conservation, physicochemical variation, residue mobility, and thermodynamic stability) indicates that this missense variant is not expected to disrupt FH protein function with a negative predictive value of 95%. In summary, the available evidence is currently insufficient to determine the role of this variant in disease. Therefore, it has been classified as a Variant of Uncertain Significance.

Revvity Omics, Revvity
Classification: Uncertain significance. Last evaluated: 2023-05-08. Review status: criteria provided, single submitter. Criteria: ACMG Guidelines, 2015. Collection method: clinical testing. Allele origin: germline.

Fulgent Genetics
Classification: Uncertain significance for Hereditary leiomyomatosis and renal cell cancer; Fumarase deficiency. Last evaluated: 2018-10-31. Review status: criteria provided, single submitter. Criteria: ACMG Guidelines, 2015. Collection method: clinical testing. Allele origin: unknown.